The following is an entry in ClinVar:

NM_001142459.2(ASB10):c.1363C>A (p.Leu455Ile)

Gene: ASB10 (ankyrin repeat and SOCS box containing 10; minus strand). Cytogenetic location: 7q36.1.
Variant type: single nucleotide variant.
Coding change: c.1363C>A on transcript NM_001142459.2 (MANE Select); coding-DNA position 1363, C replaced by A.
Protein change: p.Leu455Ile; replaces leucine 455 with isoleucine.
Molecular consequence: missense variant.
Genome position (GRCh38, 1-based): chr7:151,176,153, G>T on the plus strand (C>A on the coding strand, the complement: ASB10 is on the minus strand). VCF-style: chr7-151176153-G-T. GRCh37 (hg19) VCF-style: chr7-150873240-G-T.
Other names: c.1249C>A, p.Leu417Ile (NM_001142460.1); c.1318C>A, p.Leu440Ile (NM_080871.4); short protein forms L455I, L417I, L440I.
Identifiers: ClinVar variation 4643324 (VCV004643324.3).
Genomic context (GRCh38, chr7:151,176,153, plus strand): 5'-CACAGATCCCGGGGCTCACCTAGTAGAGCACGCCCTCAAAATCCAGCTGCAGGTAGCGGA[G>T]CAGGCGCGGTGGCAGGGGGAGGCGGGGCAGCGCTTGGGGCAGGCTGCCCTCCAGGTGGGA-3'
Protein context (NP_001135931.2, residues 445-465): LPRLPLPPRL[Leu455Ile]RYLQLDFEGV

ClinVar aggregate classification (germline): Uncertain significance. Review status: criteria provided, multiple submitters, no conflicts (2 of 4 stars). 2 submissions from 2 submitters: Uncertain significance (2). Last evaluated 2025-09-25.

gnomAD v4.1: 7 of 1,611,790 alleles (0.00043%); highest among the groups gnomAD compares: African/African-American, 0.0093%; no homozygotes.

Submissions (2):

Ambry Genetics
Classification: Uncertain significance. Last evaluated: 2025-09-25. Review status: criteria provided, single submitter. Criteria: Ambry Variant Classification Scheme 2023. Collection method: clinical testing. Allele origin: germline.

Dasa
Classification: Uncertain significance. Last evaluated: 2025-03-10. Review status: criteria provided, single submitter. Criteria: DASA Assertion Criteria. Collection method: clinical testing. Allele origin: germline.
Comment: NM_001142459.2(ASB10):c.1363C>A (p.Leu455Ile) is a missense variant that results in the substitution of leucine with isoleucine. This variant is rare in population databases. Computational prediction algorithms are consistent with a benign effect. The currently available literature and clinical evidence are not sufficient to establish a definitive association between this variant and the reported condition. Therefore, this variant is classified as a variant of uncertain significance.